The following is an entry in ClinVar:

ClinVar aggregate classification (germline): Uncertain significance (1 of 4 stars; one submission).

Allele frequency attached by ClinVar (database versions not stated): gnomAD exomes 0.00001 and 0.00006; ExAC 0.00008; gnomAD 0.00026 and 0.00029; TOPMed 0.00029; ESP Exome Variant Server 0.00046.
gnomAD v4.1: 65 of 1,611,006 alleles (0.004%); highest among the groups gnomAD compares: African/African-American, 0.075%; no homozygotes.

Submission:

Labcorp Genetics (formerly Invitae), Labcorp
Classification: Uncertain significance. Last evaluated: 2025-07-31. Review status: criteria provided, single submitter. Criteria: Invitae Variant Classification Sherloc (09022015). Collection method: clinical testing. Allele origin: germline.
Comment: This sequence change replaces alanine, which is neutral and non-polar, with threonine, which is neutral and polar, at codon 497 of the ERBB2 protein (p.Ala497Thr). This variant is present in population databases (rs145762641, gnomAD 0.1%), and has an allele count higher than expected for a pathogenic variant. This variant has not been reported in the literature in individuals affected with ERBB2-related conditions. ClinVar contains an entry for this variant (Variation ID: 964349). Invitae Evidence Modeling of protein sequence and biophysical properties (such as structural, functional, and spatial information, amino acid conservation, physicochemical variation, residue mobility, and thermodynamic stability) indicates that this missense variant is not expected to disrupt ERBB2 protein function with a negative predictive value of 80%. In summary, the available evidence is currently insufficient to determine the role of this variant in disease. Therefore, it has been classified as a Variant of Uncertain Significance.

NM_004448.4(ERBB2):c.1489G>A (p.Ala497Thr)

Gene: ERBB2 (erb-b2 receptor tyrosine kinase 2; plus strand). Cytogenetic location: 17q12.
Variant type: single nucleotide variant.
Coding change: c.1489G>A on transcript NM_004448.4 (MANE Select); coding-DNA position 1489, G replaced by A.
Protein change: p.Ala497Thr; replaces alanine 497 with threonine.
Molecular consequence: missense variant. On other transcripts: non-coding transcript variant (1), intron variant (1).
Genome position (GRCh38, 1-based): chr17:39,715,915, G>A. VCF-style: chr17-39715915-G-A. GRCh37 (hg19) VCF-style: chr17-37872168-G-A.
Other names: c.1399G>A, p.Ala467Thr (NM_001005862.3, NM_001289938.2, NM_001382782.1 and 1 more transcripts); c.1444G>A, p.Ala482Thr (NM_001289936.2); c.1489G>A, p.Ala497Thr (NM_001289937.2, NM_001382785.1, NM_001382788.1 and 12 more transcripts); c.1606G>A, p.Ala536Thr (NM_001382784.1, NM_001382786.1); c.1564G>A, p.Ala522Thr (NM_001382787.1); c.1510G>A, p.Ala504Thr (NM_001382789.1); c.1480G>A, p.Ala494Thr (NM_001382791.1); c.1309G>A, p.Ala437Thr (NM_001382799.1); and 3 more; short protein forms A221T, A437T, A494T, A504T, A411T, A522T, A467T, A497T.
Identifiers: ClinVar variation 964349 (VCV000964349.9), dbSNP rs145762641, ClinGen allele CA8533992.